The following is an entry in ClinVar:

NM_002439.5(MSH3):c.2036T>G (p.Leu679Arg)

Gene: MSH3 (mutS homolog 3; plus strand). Cytogenetic location: 5q14.1.
Variant type: single nucleotide variant.
Coding change: c.2036T>G on transcript NM_002439.5 (MANE Select); coding-DNA position 2036, T replaced by G.
Protein change: p.Leu679Arg; replaces leucine 679 with arginine.
Molecular consequence: missense variant.
Genome position (GRCh38, 1-based): chr5:80,768,072, T>G. VCF-style: chr5-80768072-T-G. GRCh37 (hg19) VCF-style: chr5-80063891-T-G.
Other names: short protein forms L679R.
Identifiers: ClinVar variation 1510755 (VCV001510755.6), dbSNP rs2112884491, ClinGen allele CA360277835.
Genomic context (GRCh38, chr5:80,768,072, plus strand): 5'-TTAATTCCCACATTCAGTCAGACTTGCTCCGGACCGTTATTTTAGAAATTCCTGAACTCC[T>G]CAGTCCAGTGGAGCATTACTTAAAGATACTCAATGAACAAGCTGCCAAGTAAGTACCAGA-3'
Protein context (NP_002430.3, residues 669-689): RTVILEIPEL[Leu679Arg]SPVEHYLKIL

ClinVar aggregate classification (germline): Uncertain significance (1 of 4 stars; one submission).

Submission:

Labcorp Genetics (formerly Invitae), Labcorp
Classification: Uncertain significance. Last evaluated: 2021-08-06. Review status: criteria provided, single submitter. Criteria: Invitae Variant Classification Sherloc (09022015). Collection method: clinical testing. Allele origin: germline.
Comment: This sequence change replaces leucine with arginine at codon 679 of the MSH3 protein (p.Leu679Arg). The leucine residue is highly conserved and there is a moderate physicochemical difference between leucine and arginine. This variant is not present in population databases (ExAC no frequency). This variant has not been reported in the literature in individuals affected with MSH3-related conditions. Algorithms developed to predict the effect of missense changes on protein structure and function are either unavailable or do not agree on the potential impact of this missense change (SIFT: "Deleterious"; PolyPhen-2: "Probably Damaging"; Align-GVGD: "Class C0"). In summary, the available evidence is currently insufficient to determine the role of this variant in disease. Therefore, it has been classified as a Variant of Uncertain Significance.